The following is an entry in ClinVar:

ClinVar aggregate classification (germline): Uncertain significance (1 of 4 stars; one submission).

Conditions:
PKHD1-related disorder. Also called: PKHD1-related condition.

gnomAD v4.1: 4 of 1,613,304 alleles (0.00025%); highest among the groups gnomAD compares: Non-Finnish European, 0.00034%; no homozygotes.

Submission:

PreventionGenetics, part of Exact Sciences
Classification: Uncertain significance for PKHD1-related condition. Last evaluated: 2026-03-03. Review status: criteria provided, single submitter. Criteria: ACMG Guidelines, 2015. Collection method: clinical testing. Allele origin: germline.
Comment: The PKHD1 c.6094G>C variant is predicted to result in the amino acid substitution p.Val2032Leu. This variant was reported in an individual with polycystic kidney disease (Furu et al. 2003. PubMed ID: 12874454). This variant is reported in 0.00088% of alleles in individuals of European (Non-Finnish) descent in gnomAD. At this time, the clinical significance of this variant is uncertain due to the absence of conclusive functional and genetic evidence.

NM_138694.4(PKHD1):c.6094G>C (p.Val2032Leu)

Gene: PKHD1 (PKHD1 ciliary IPT domain containing fibrocystin/polyductin; minus strand). Cytogenetic location: 6p12.2.
Variant type: single nucleotide variant.
Coding change: c.6094G>C on transcript NM_138694.4 (MANE Select); coding-DNA position 6094, G replaced by C.
Protein change: p.Val2032Leu; replaces valine 2032 with leucine.
Molecular consequence: missense variant.
Genome position (GRCh38, 1-based): chr6:51,934,137, C>G on the plus strand (G>C on the coding strand, the complement: PKHD1 is on the minus strand). VCF-style: chr6-51934137-C-G. GRCh37 (hg19) VCF-style: chr6-51798935-C-G.
Other names: c.6094G>C, p.Val2032Leu (NM_170724.3); short protein forms V2032L.
Identifiers: ClinVar variation 4984546 (VCV004984546.1).